The following is an entry in ClinVar:

NM_000744.7(CHRNA4):c.461C>T (p.Pro154Leu)

Gene: CHRNA4 (cholinergic receptor nicotinic alpha 4 subunit; minus strand). Cytogenetic location: 20q13.33.
Variant type: single nucleotide variant.
Coding change: c.461C>T on transcript NM_000744.7 (MANE Select); coding-DNA position 461, C replaced by T.
Protein change: p.Pro154Leu; replaces proline 154 with leucine.
Molecular consequence: missense variant. On other transcripts: 5 prime UTR variant (1), non-coding transcript variant (1).
Genome position (GRCh38, 1-based): chr20:63,350,950, G>A on the plus strand (C>T on the coding strand, the complement: CHRNA4 is on the minus strand). VCF-style: chr20-63350950-G-A. GRCh37 (hg19) VCF-style: chr20-61982302-G-A.
Other names: c.-68C>T (NM_001256573.2); short protein forms P154L.
Identifiers: ClinVar variation 98325 (VCV000098325.16), dbSNP rs121912244, ClinGen allele CA150430.

ClinVar aggregate classification (germline): Conflicting classifications of pathogenicity. Review status: criteria provided, conflicting classifications (1 of 4 stars). 5 submissions from 5 submitters: Uncertain significance (3); Likely benign (1). 1 of the submissions does not count toward it. Last evaluated 2025-09-30.

Conditions:
CHRNA4-related disorder. Also called: CHRNA4-related condition.
Familial sleep-related hypermotor epilepsy. Also called: Autosomal Dominant Sleep-Related Hypermotor (Hyperkinetic) Epilepsy. Identifiers: Orphanet 98784, MedGen C3696898, MONDO:0000030.
Tobacco use disorder. Identifiers: MedGen C0040336.

Allele frequency attached by ClinVar (database versions not stated): gnomAD exomes 0.00010 and 0.00005; gnomAD 0.00006; TOPMed 0.00006; ESP Exome Variant Server 0.00008; ExAC 0.00004.

Submissions (5):

PreventionGenetics, part of Exact Sciences
Classification: Uncertain significance for CHRNA4-related condition. Last evaluated: 2025-09-30. Review status: criteria provided, single submitter. Criteria: ACMG Guidelines, 2015. Collection method: clinical testing. Allele origin: germline.
Comment: The CHRNA4 c.461C>T variant is predicted to result in the amino acid substitution p.Pro154Leu. To our knowledge, this variant has not been reported in the literature. This variant is reported in 0.0085% of alleles in individuals of Latino descent in gnomAD. At this time, the clinical significance of this variant is uncertain due to the absence of conclusive functional and genetic evidence.

Labcorp Genetics (formerly Invitae), Labcorp
Classification: Likely benign. Last evaluated: 2025-08-06. Review status: criteria provided, single submitter. Criteria: Invitae Variant Classification Sherloc (09022015). Collection method: clinical testing. Allele origin: germline.

GeneDx
Classification: Uncertain significance. Last evaluated: 2021-10-29. Review status: criteria provided, single submitter. Criteria: GeneDx Variant Classification Process June 2021. Collection method: clinical testing. Allele origin: germline. Affected: yes.
Comment: In silico analysis supports that this missense variant has a deleterious effect on protein structure/function; Has not been previously published as pathogenic or benign to our knowledge; This variant is associated with the following publications: (PMID: 21683344)

Athena Diagnostics
Classification: Uncertain significance. Last evaluated: 2017-11-17. Review status: criteria provided, single submitter. Criteria: Athena Diagnostics Criteria. Collection method: clinical testing. Allele origin: germline.

Psychiatry Genetics Yale University
No classification provided. Review status: no classification provided. Collection method: not provided. Allele origin: somatic. Not counted in ClinVar's aggregate classification.

Literature cited by the submitters: PubMed 21683344 (cited by Athena Diagnostics).